The following is an entry in ClinVar:

NM_020738.4(KIDINS220):c.2042G>A (p.Arg681Lys)

Gene: KIDINS220 (kinase D interacting substrate 220; minus strand). Cytogenetic location: 2p25.1.
Variant type: single nucleotide variant.
Coding change: c.2042G>A on transcript NM_020738.4 (MANE Select); coding-DNA position 2042, G replaced by A.
Protein change: p.Arg681Lys; replaces arginine 681 with lysine.
Molecular consequence: missense variant. On other transcripts: non-coding transcript variant (2).
Genome position (GRCh38, 1-based): chr2:8,785,928, C>T on the plus strand (G>A on the coding strand, the complement: KIDINS220 is on the minus strand). VCF-style: chr2-8785928-C-T. GRCh37 (hg19) VCF-style: chr2-8926058-C-T.
Other names: c.2045G>A, p.Arg682Lys (NM_001348729.2, NM_001348731.2, NM_001348734.2 and 3 more transcripts); c.2042G>A, p.Arg681Lys (NM_001348732.2, NM_001348735.2, NM_001348738.2 and 3 more transcripts); c.1916G>A, p.Arg639Lys (NM_001348736.2); short protein forms R639K, R681K, R682K.
Identifiers: ClinVar variation 3348596 (VCV003348596.1).

ClinVar aggregate classification (germline): Uncertain significance (0 of 4 stars; one submission).

Conditions:
KIDINS220-related disorder. Also called: KIDINS220-related condition.

Submission:

PreventionGenetics, part of Exact Sciences
Classification: Uncertain significance for KIDINS220-related condition. Last evaluated: 2024-01-09. Review status: no assertion criteria provided. Collection method: clinical testing. Allele origin: germline.
Comment: The KIDINS220 c.2042G>A variant is predicted to result in the amino acid substitution p.Arg681Lys. To our knowledge, this variant has not been reported in the literature or in a large population database, indicating this variant is rare. At this time, the clinical significance of this variant is uncertain due to the absence of conclusive functional and genetic evidence.